The following is an entry in ClinVar:

ClinVar aggregate classification (germline): Uncertain significance. Review status: criteria provided, multiple submitters, no conflicts (2 of 4 stars). 2 submissions from 2 submitters: Uncertain significance (2). Last evaluated 2022-12-20.

Conditions:
Familial adenomatous polyposis 1 (FAP1). Also called: FAMILIAL ADENOMATOUS POLYPOSIS 1, ATTENUATED; POLYPOSIS, ADENOMATOUS INTESTINAL. Identifiers: MedGen C2713442, MONDO:0021056, OMIM 175100. Disease mechanism: loss of function.
Hereditary cancer-predisposing syndrome. Also called: Neoplastic Syndromes, Hereditary; Tumor predisposition; Hereditary Cancer Syndrome; Hereditary neoplastic syndrome. Identifiers: Orphanet 140162, MedGen C0027672, MeSH D009386, MONDO:0015356.

Allele frequency attached by ClinVar (database versions not stated): TOPMed below 0.00001; gnomAD 0.00001.
gnomAD v4.1: 1 of 1,613,988 alleles (0.000062%); highest among the groups gnomAD compares: Non-Finnish European, 0.000085%; no homozygotes.

Submissions (2):

Labcorp Genetics (formerly Invitae), Labcorp
Classification: Uncertain significance for Familial adenomatous polyposis 1. Last evaluated: 2022-12-20. Review status: criteria provided, single submitter. Criteria: Invitae Variant Classification Sherloc (09022015). Collection method: clinical testing. Allele origin: germline.
Comment: In summary, the available evidence is currently insufficient to determine the role of this variant in disease. Therefore, it has been classified as a Variant of Uncertain Significance. Advanced modeling of protein sequence and biophysical properties (such as structural, functional, and spatial information, amino acid conservation, physicochemical variation, residue mobility, and thermodynamic stability) performed at Invitae indicates that this missense variant is not expected to disrupt APC protein function. ClinVar contains an entry for this variant (Variation ID: 821163). This variant has not been reported in the literature in individuals affected with APC-related conditions. This variant is present in population databases (no rsID available, gnomAD 0.007%). This sequence change replaces arginine, which is basic and polar, with threonine, which is neutral and polar, at codon 790 of the APC protein (p.Arg790Thr).

Ambry Genetics
Classification: Uncertain significance for Hereditary cancer-predisposing syndrome. Last evaluated: 2018-08-24. Review status: criteria provided, single submitter. Criteria: Ambry Variant Classification Scheme 2023. Collection method: clinical testing. Allele origin: germline.
Comment: The p.R790T variant (also known as c.2369G>C), located in coding exon 15 of the APC gene, results from a G to C substitution at nucleotide position 2369. The arginine at codon 790 is replaced by threonine, an amino acid with similar properties. This amino acid position is highly conserved in available vertebrate species. In addition, in silico predictors for this gene do not accurately predict pathogenicity. Since supporting evidence is limited at this time, the clinical significance of this alteration remains unclear.

NM_000038.6(APC):c.2369G>C (p.Arg790Thr)

Gene: APC (APC regulator of Wnt signaling pathway; plus strand). Cytogenetic location: 5q22.2.
Variant type: single nucleotide variant.
Coding change: c.2369G>C on transcript NM_000038.6 (MANE Select); coding-DNA position 2369, G replaced by C.
Protein change: p.Arg790Thr; replaces arginine 790 with threonine.
Molecular consequence: missense variant.
Genome position (GRCh38, 1-based): chr5:112,837,963, G>C. VCF-style: chr5-112837963-G-C. GRCh37 (hg19) VCF-style: chr5-112173660-G-C.
Other names: c.2369G>C, p.Arg790Thr (NM_001127510.3, NM_001354895.2); c.2315G>C, p.Arg772Thr (NM_001127511.3); c.2423G>C, p.Arg808Thr (NM_001354896.2); c.2399G>C, p.Arg800Thr (NM_001354897.2); c.2294G>C, p.Arg765Thr (NM_001354898.2); c.2285G>C, p.Arg762Thr (NM_001354899.2); c.2246G>C, p.Arg749Thr (NM_001354900.2); c.2192G>C, p.Arg731Thr (NM_001354901.2); and 5 more; short protein forms R507T, R731T, R765T, R800T, R699T, R808T, R630T, R664T.
Identifiers: ClinVar variation 821163 (VCV000821163.7), dbSNP rs1204239908, ClinGen allele CA16026533.